The following is an entry in ClinVar:

NM_000535.7(PMS2):c.2102A>G (p.His701Arg)

Gene: PMS2 (PMS1 homolog 2, mismatch repair system component; minus strand). Cytogenetic location: 7p22.1.
Variant type: single nucleotide variant.
Coding change: c.2102A>G on transcript NM_000535.7 (MANE Select); coding-DNA position 2102, A replaced by G.
Protein change: p.His701Arg; replaces histidine 701 with arginine.
Molecular consequence: missense variant. On other transcripts: non-coding transcript variant (1).
Genome position (GRCh38, 1-based): chr7:5,982,896, T>C on the plus strand (A>G on the coding strand, the complement: PMS2 is on the minus strand). VCF-style: chr7-5982896-T-C. GRCh37 (hg19) VCF-style: chr7-6022527-T-C.
Other names: c.1697A>G, p.His566Arg (NM_001322003.2, NM_001322004.2, NM_001322005.2 and 1 more transcripts); c.1946A>G, p.His649Arg (NM_001322006.2); c.1784A>G, p.His595Arg (NM_001322007.2, NM_001322008.2); c.1541A>G, p.His514Arg (NM_001322010.2); c.1169A>G, p.His390Arg (NM_001322011.2, NM_001322012.2); c.1529A>G, p.His510Arg (NM_001322013.2); c.2102A>G, p.His701Arg (NM_001322014.2); c.1793A>G, p.His598Arg (NM_001322015.2); short protein forms H701R, H390R, H510R, H566R, H514R, H595R, H598R, H649R.
Identifiers: ClinVar variation 1433806 (VCV001433806.10), dbSNP rs1583298873, ClinGen allele CA366737993.

ClinVar aggregate classification (germline): Conflicting classifications of pathogenicity. Review status: criteria provided, conflicting classifications (1 of 4 stars). 2 submissions from 2 submitters: Likely pathogenic (1); Uncertain significance (1). Last evaluated 2022-05-06.

Conditions:
Hereditary nonpolyposis colorectal neoplasms. Identifiers: MedGen C0009405, MeSH D003123.
Hereditary cancer-predisposing syndrome. Also called: Hereditary Cancer Syndrome; Hereditary neoplastic syndrome; Neoplastic Syndromes, Hereditary; Tumor predisposition. Identifiers: Orphanet 140162, MedGen C0027672, MeSH D009386, MONDO:0015356.

Submissions (2):

Ambry Genetics
Classification: Likely pathogenic for Hereditary cancer-predisposing syndrome. Last evaluated: 2022-05-06. Review status: criteria provided, single submitter. Criteria: Ambry Variant Classification Scheme 2023. Collection method: clinical testing. Allele origin: germline.
Comment: The p.H701R variant (also known as c.2102A>G), located in coding exon 12 of the PMS2 gene, results from an A to G substitution at nucleotide position 2102. The histidine at codon 701 is replaced by arginine, an amino acid with highly similar properties. Based on internal structural analysis, this variant sits at the interface between PMS2/MutLa and is anticipated to result in a significant decrease in structural stability (Gueneau E et al. Nat. Struct. Mol. Biol. 2013 Apr;20(4):461-8). This amino acid position is highly conserved in available vertebrate species. This variant was not reported in population-based cohorts in the Genome Aggregation Database (gnomAD). This missense alteration is located in a region that has a low rate of benign missense variation (Lek M et al. Nature. 2016 Aug 18;536(7616):285-91; DECIPHER: Database of Chromosomal Imbalance and Phenotype in Humans using Ensembl Resources. Firth H.V. et al. 2009. Am.J.Hum.Genet. 84, 524-533 (DOI)). In addition, this alteration is predicted to be deleterious by in silico analysis. Based on the majority of available evidence to date, this variant is likely to be pathogenic.

Labcorp Genetics (formerly Invitae), Labcorp
Classification: Uncertain significance for Hereditary nonpolyposis colorectal neoplasms. Last evaluated: 2021-12-27. Review status: criteria provided, single submitter. Criteria: Invitae Variant Classification Sherloc (09022015). Collection method: clinical testing. Allele origin: germline.
Comment: In summary, the available evidence is currently insufficient to determine the role of this variant in disease. Therefore, it has been classified as a Variant of Uncertain Significance. Algorithms developed to predict the effect of missense changes on protein structure and function (SIFT, PolyPhen-2, Align-GVGD) all suggest that this variant is likely to be disruptive. This missense change has been observed in individual(s) with colon/rectal cancer (Invitae). The frequency data for this variant in the population databases (gnomAD) is considered unreliable due to the presence of homologous sequence, such as pseudogenes or paralogs, in the genome. This sequence change replaces histidine, which is basic and polar, with arginine, which is basic and polar, at codon 701 of the PMS2 protein (p.His701Arg).

Literature cited by the submitters: PubMed 23435383 (cited by Ambry Genetics); PubMed 29755653 (cited by Ambry Genetics).